The following is an entry in ClinVar:

NM_000092.5(COL4A4):c.192+5G>A

Gene: COL4A4 (collagen type IV alpha 4 chain; minus strand). Cytogenetic location: 2q36.3.
Variant type: single nucleotide variant.
Coding change: c.192+5G>A on transcript NM_000092.5 (MANE Select); 5 bases into the intron after coding-DNA position 192, G replaced by A.
Molecular consequence: intron variant.
Genome position (GRCh38, 1-based): chr2:227,140,156, C>T on the plus strand (G>A on the coding strand, the complement: COL4A4 is on the minus strand). VCF-style: chr2-227140156-C-T. GRCh37 (hg19) VCF-style: chr2-228004872-C-T.
Identifiers: ClinVar variation 1941204 (VCV001941204.3), dbSNP rs2476897349, ClinGen allele CA2580065843.

ClinVar aggregate classification (germline): Uncertain significance (1 of 4 stars; one submission).

Submission:

Labcorp Genetics (formerly Invitae), Labcorp
Classification: Uncertain significance. Last evaluated: 2022-07-06. Review status: criteria provided, single submitter. Criteria: Invitae Variant Classification Sherloc (09022015). Collection method: clinical testing. Allele origin: germline.
Comment: In summary, the available evidence is currently insufficient to determine the role of this variant in disease. Therefore, it has been classified as a Variant of Uncertain Significance. Variants that disrupt the consensus splice site are a relatively common cause of aberrant splicing (PMID: 17576681, 9536098). Algorithms developed to predict the effect of sequence changes on RNA splicing suggest that this variant may disrupt the consensus splice site. This variant has not been reported in the literature in individuals affected with COL4A4-related conditions. This variant is not present in population databases (gnomAD no frequency). This sequence change falls in intron 4 of the COL4A4 gene. It does not directly change the encoded amino acid sequence of the COL4A4 protein. It affects a nucleotide within the consensus splice site.

Literature cited by the submitters: PubMed 17576681; PubMed 9536098.